The following is an entry in ClinVar:

NM_003290.3(TPM4):c.215C>T (p.Thr72Met)

Gene: TPM4 (tropomyosin 4; plus strand). Cytogenetic location: 19p13.12.
Variant type: single nucleotide variant.
Coding change: c.215C>T on transcript NM_003290.3 (MANE Select); coding-DNA position 215, C replaced by T.
Protein change: p.Thr72Met; replaces threonine 72 with methionine.
Molecular consequence: missense variant.
Genome position (GRCh38, 1-based): chr19:16,081,995, C>T. VCF-style: chr19-16081995-C-T. GRCh37 (hg19) VCF-style: chr19-16192805-C-T.
Other names: p.Thr108Met; c.323C>T, p.Thr108Met (NM_001145160.2); c.275C>T, p.Thr92Met (NM_001367836.1); c.215C>T, p.Thr72Met (NM_001367837.2); c.206C>T, p.Thr69Met (NM_001367838.1); c.323C>T (NM_001145160.1); short protein forms T108M, T69M, T72M, T92M.
Identifiers: ClinVar variation 3380596 (VCV003380596.2).

ClinVar aggregate classification (germline): Uncertain significance. Review status: criteria provided, multiple submitters, no conflicts (2 of 4 stars). 2 submissions from 2 submitters: Uncertain significance (2). Last evaluated 2024-12-25.

gnomAD v4.1: 34 of 1,610,670 alleles (0.0021%); highest among the groups gnomAD compares: Middle Eastern, 0.017%; no homozygotes.

Submissions (2):

Ambry Genetics
Classification: Uncertain significance. Last evaluated: 2024-12-25. Review status: criteria provided, single submitter. Criteria: Ambry Variant Classification Scheme 2023. Collection method: clinical testing. Allele origin: germline.

Mayo Clinic Laboratories, Mayo Clinic
Classification: Uncertain significance. Last evaluated: 2024-08-15. Review status: criteria provided, single submitter. Criteria: ACMG Guidelines, 2015. Collection method: clinical testing. Allele origin: germline. Observed: 1 variant allele.
Comment: PP3, PM1_supporting